The following is an entry in ClinVar:

ClinVar aggregate classification (germline): Pathogenic. Review status: criteria provided, multiple submitters, no conflicts (2 of 4 stars). 6 submissions from 6 submitters: Pathogenic (5). 1 of the submissions does not count toward it. Last evaluated 2025-09-09.

Conditions:
Hereditary cancer-predisposing syndrome. Also called: Hereditary Cancer Syndrome; Hereditary neoplastic syndrome; Neoplastic Syndromes, Hereditary; Tumor predisposition. Identifiers: Orphanet 140162, MedGen C0027672, MeSH D009386, MONDO:0015356.
Familial adenomatous polyposis 1 (FAP1). Also called: FAMILIAL ADENOMATOUS POLYPOSIS 1, ATTENUATED; POLYPOSIS, ADENOMATOUS INTESTINAL. Identifiers: MedGen C2713442, MONDO:0021056, OMIM 175100. Disease mechanism: loss of function.

Submissions (6):

Department of Human Genetics, Hannover Medical School
Classification: Pathogenic for Familial adenomatous polyposis 1. Last evaluated: 2025-09-09. Review status: criteria provided, single submitter. Criteria: ACMG Guidelines, 2015. Collection method: clinical testing. Allele origin: germline. Affected: yes.

Labcorp Genetics (formerly Invitae), Labcorp
Classification: Pathogenic for Familial adenomatous polyposis 1. Last evaluated: 2025-08-07. Review status: criteria provided, single submitter. Criteria: Invitae Variant Classification Sherloc (09022015). Collection method: clinical testing. Allele origin: germline.
Comment: This sequence change creates a premature translational stop signal (p.Leu1342Phefs*12) in the APC gene. While this is not anticipated to result in nonsense mediated decay, it is expected to disrupt the last 1502 amino acid(s) of the APC protein. This variant is not present in population databases (gnomAD no frequency). This premature translational stop signal has been observed in individual(s) with familial adenomatous polyposis (PMID: 10077047, 10982189). ClinVar contains an entry for this variant (Variation ID: 217976). This variant is expected to disrupt the EB1 and HDLG binding sites, which mediate interactions with the cytoskeleton (PMID: 15311282, 17293347). While functional studies have not been performed to directly test the effect on APC protein function, this suggests that disruption of the C-terminal portion of the protein is functionally important. A different truncation (p.Tyr2645Lysfs*14) that lies downstream of this variant has been determined to be pathogenic (PMID: 9824584, 1316610, 27081525, 8381579, 22135120, internal data). This suggests that deletion of this region of the APC protein is causative of disease. For these reasons, this variant has been classified as Pathogenic.

Ambry Genetics
Classification: Pathogenic for Hereditary cancer-predisposing syndrome. Last evaluated: 2025-06-27. Review status: criteria provided, single submitter. Criteria: Ambry Variant Classification Scheme 2023. Collection method: clinical testing. Allele origin: germline.
Comment: The c.4025dupT pathogenic mutation, located in coding exon 15 of the APC gene, results from a duplication of T at nucleotide position 4025, causing a translational frameshift with a predicted alternate stop codon (p.L1342Ffs*12 ). This alteration occurs at the 3' terminus of theAPC gene, is not expected to trigger nonsense-mediated mRNA decay, and impacts the last 53% of the protein. However, premature stop codons are typically deleterious in nature and a significant portion of the protein is affected (Ambry internal data). This variant has been reported in multiple families with familial adenomatous polyposis (FAP) (Gebert JF et al. Ann. Surg. 1999 Mar;229(3):350-61; Su LK et al. Hum. Genet. 2000 Jan;106(1):101-7; Friedl W et al. Gut 2001 Apr;48(4):515-2; Kerr SE et al. J. Mol. Diagn. 2013 Jan;15(1):31-43). Based on the supporting evidence, this variant is interpreted as a disease-causing mutation.

Myriad Genetics, Inc.
Classification: Pathogenic for Familial adenomatous polyposis 1. Last evaluated: 2023-05-10. Review status: criteria provided, single submitter. Criteria: Myriad Autosomal Dominant, Autosomal Recessive and X-Linked Classification Criteria (2023). Collection method: clinical testing. Allele origin: unknown.
Comment: This variant is considered pathogenic. This variant creates a frameshift predicted to result in premature protein truncation.

GeneDx
Classification: Pathogenic. Last evaluated: 2023-01-06. Review status: criteria provided, single submitter. Criteria: GeneDx Variant Classification Process June 2021. Collection method: clinical testing. Allele origin: germline. Affected: yes.
Comment: Frameshift variant predicted to result in protein truncation or nonsense mediated decay in a gene for which loss of function is a known mechanism of disease; Not observed at significant frequency in large population cohorts (gnomAD); This variant is associated with the following publications: (PMID: 11960572, 10982189, 10077047, 23085758, 21901162, 21297112, 20223039)

Mayo Clinic Laboratories, Mayo Clinic
Classification: Pathogenic. Review status: no assertion criteria provided. Collection method: research. Allele origin: unknown. Observed: 1 variant allele. Not counted in ClinVar's aggregate classification.

Literature cited by the submitters: PubMed 10077047 (cited by Labcorp Genetics (formerly Invitae), Labcorp and Ambry Genetics); PubMed 10982189 (cited by Labcorp Genetics (formerly Invitae), Labcorp and Ambry Genetics); PubMed 15311282 (cited by Labcorp Genetics (formerly Invitae), Labcorp); PubMed 17293347 (cited by Labcorp Genetics (formerly Invitae), Labcorp); PubMed 9824584 (cited by Labcorp Genetics (formerly Invitae), Labcorp); PubMed 1316610 (cited by Labcorp Genetics (formerly Invitae), Labcorp); PubMed 27081525 (cited by Labcorp Genetics (formerly Invitae), Labcorp); PubMed 8381579 (cited by Labcorp Genetics (formerly Invitae), Labcorp); PubMed 22135120 (cited by Labcorp Genetics (formerly Invitae), Labcorp); PubMed 11247896 (cited by Ambry Genetics); PubMed 23159591 (cited by Ambry Genetics).

NM_000038.6(APC):c.4025dup (p.Leu1342fs)

Gene: APC (APC regulator of Wnt signaling pathway; plus strand). Cytogenetic location: 5q22.2.
Variant type: Duplication.
Coding change: c.4025dup on transcript NM_000038.6 (MANE Select); coding-DNA position 4025, one base duplicated (T; older notation c.4025dupT).
Protein change: p.Leu1342fs; shifts the reading frame from leucine 1342.
Molecular consequence: frameshift variant.
Genome position (GRCh38, 1-based): chr5:112,839,619, T duplicated; the last of 3 consecutive T bases (chr5:112,839,617-112,839,619); duplicating any one gives the same sequence. VCF-style (leftmost placement, unchanged base first): chr5-112839616-G-GT. GRCh37 (hg19) VCF-style: chr5-112175313-G-GT.
Other names: c.4025dup, p.Leu1342fs (NM_001127510.3, NM_001354895.2); c.3971dup, p.Leu1324fs (NM_001127511.3); c.4079dup, p.Leu1360fs (NM_001354896.2); c.4055dup, p.Leu1352fs (NM_001354897.2); c.3950dup, p.Leu1317fs (NM_001354898.2); c.3941dup, p.Leu1314fs (NM_001354899.2); c.3902dup, p.Leu1301fs (NM_001354900.2); c.3848dup, p.Leu1283fs (NM_001354901.2); and 6 more; short protein forms L1182fs, L1216fs, L1317fs, L1241fs, L1251fs, L1283fs, L1314fs, L1324fs.
Identifiers: ClinVar variation 217976 (VCV000217976.26), dbSNP rs863225351, ClinGen allele CA279778.
Genomic context (GRCh38, chr5:112,839,616, plus strand): 5'-GCGAAGTTCCAGCAGTGTCACAGCACCCTAGAACCAAATCCAGCAGACTGCAGGGTTCTA[G>GT]TTTATCTTCAGAATCAGCCAGGCACAAAGCTGTTGAATTTTCTTCAGGAGCGAAATCTCC-3'